The following is an entry in ClinVar:

ClinVar aggregate classification (germline): Pathogenic. Review status: reviewed by expert panel (3 of 4 stars). 7 submissions from 7 submitters: Pathogenic (1). 6 of the submissions do not count toward it. Last evaluated 2016-10-18.

Conditions:
Hereditary cancer-predisposing syndrome. Also called: Hereditary Cancer Syndrome; Hereditary neoplastic syndrome; Neoplastic Syndromes, Hereditary; Tumor predisposition. Identifiers: Orphanet 140162, MedGen C0027672, MeSH D009386, MONDO:0015356.
Hereditary breast ovarian cancer syndrome. Also called: BRCA1- and BRCA2-Associated Hereditary Breast and Ovarian Cancer; Hereditary breast and ovarian cancer syndrome; Hereditary breast and ovarian cancer syndrome (HBOC); Breast and ovarian cancer; Hereditary breast and/or ovarian cancer syndrome; Hereditary breast and ovarian cancer. Identifiers: Orphanet 145, MedGen C0677776, MeSH D061325, MONDO:0003582. Disease mechanism: loss of function.
Breast-ovarian cancer, familial, susceptibility to, 1 (BROVCA1). Also called: BRCA1 Hereditary Breast and Ovarian Cancer; OVARIAN CANCER, SUSCEPTIBILITY TO. Identifiers: Orphanet 145, MedGen C2676676, MONDO:0011450, OMIM 604370. Disease mechanism: loss of function.

Submissions (7):

Evidence-based Network for the Interpretation of Germline Mutant Alleles (ENIGMA)
Classification: Pathogenic for Breast-ovarian cancer, familial, susceptibility to, 1. Last evaluated: 2016-10-18. Review status: reviewed by expert panel. Criteria: ENIGMA BRCA1/2 Classification Criteria (2015). Collection method: curation. Allele origin: germline.
Comment: Variant allele predicted to encode a truncated non-functional protein.

Labcorp Genetics (formerly Invitae), Labcorp
Classification: Pathogenic for Hereditary breast ovarian cancer syndrome. Last evaluated: 2025-12-21. Review status: criteria provided, single submitter. Criteria: Invitae Variant Classification Sherloc (09022015). Collection method: clinical testing. Allele origin: germline. Not counted in ClinVar's aggregate classification.
Comment: This sequence change creates a premature translational stop signal (p.Ser1280*) in the BRCA1 gene. It is expected to result in an absent or disrupted protein product. Loss-of-function variants in BRCA1 are known to be pathogenic (PMID: 20104584). Information on the frequency of this variant in the gnomAD database is not available, as this variant may be reported differently in the database. This premature translational stop signal has been observed in individual(s) with hereditary breast and/or ovarian cancer (PMID: 24549055, 32341426). For these reasons, this variant has been classified as Pathogenic.

Ambry Genetics
Classification: Pathogenic for Hereditary cancer-predisposing syndrome. Last evaluated: 2025-05-16. Review status: criteria provided, single submitter. Criteria: Ambry Variant Classification Scheme 2023. Collection method: clinical testing. Allele origin: germline. Not counted in ClinVar's aggregate classification.
Comment: The c.3839_3843delCTCAGinsAGGC pathogenic mutation, located in coding exon 9 of the BRCA1 gene, results from the deletion of 5 nucleotides and insertion of 4 nucleotides causing a translational frameshift with a predicted alternate stop codon (p.S1280*). This alteration has been reported in multiple families with hereditary breast and ovarian cancer (Presneau N et al. Hum Genet, 1998 Sep;103:334-9; Caputo S et al. Nucleic Acids Res, 2012 Jan;40:D992-1002; Cast&eacute;ra L et al. Eur J Hum Genet, 2014 Nov;22:1305-13; Vega A et al. Ann Hum Genet, 2002 Jan;66:29-36; Lesueur F et al. Front Oncol, 2018 Oct;8:490; Rebbeck TR et al. Hum Mutat, 2018 05;39:593-620). Of note, this alteration is also referred to as 3958del5ins4, 3958_3962delCTCAGinsAGGC, and c.3839_3843delinsAGGC in the literature. In addition to the clinical data presented in the literature, this alteration is expected to result in loss of function by premature protein truncation or nonsense-mediated mRNA decay. As such, this alteration is interpreted as a disease-causing mutation.

Color Diagnostics, LLC DBA Color Health
Classification: Pathogenic for Hereditary cancer-predisposing syndrome. Last evaluated: 2021-04-01. Review status: criteria provided, single submitter. Criteria: ACMG Guidelines, 2015. Collection method: clinical testing. Allele origin: germline. Not counted in ClinVar's aggregate classification.
Comment: This variant alters 5 nucleotides in exon 10 in the BRCA1 gene, creating a frameshift and premature translation stop signal. To our knowledge, functional studies have not been reported for this variant. This variant is also known as 3958del5ins4 in the literature, and it has been detected in nearly 50 hereditary breast and ovarian cancer families (PMID: 9799090, 30430080). This variant has not been identified in the general population by the Genome Aggregation Database (gnomAD). Loss of BRCA1 function is a known mechanism of disease. Based on the available evidence, this variant is classified as Pathogenic.

Quest Diagnostics Nichols Institute San Juan Capistrano
Classification: Pathogenic. Last evaluated: 2017-01-30. Review status: criteria provided, single submitter. Criteria: Quest Diagnostics criteria. Collection method: clinical testing. Allele origin: germline. Not counted in ClinVar's aggregate classification.

Consortium of Investigators of Modifiers of BRCA1/2 (CIMBA), c/o University of Cambridge
Classification: Pathogenic for Breast-ovarian cancer, familial, susceptibility to, 1. Last evaluated: 2015-10-02. Review status: criteria provided, single submitter. Criteria: CIMBA Mutation Classification guidelines May 2016. Collection method: clinical testing. Allele origin: germline. Not counted in ClinVar's aggregate classification.

Breast Cancer Information Core (BIC) (BRCA1)
Classification: Pathogenic for Breast-ovarian cancer, familial 1. Last evaluated: 2002-05-29. Review status: no assertion criteria provided. Collection method: clinical testing. Allele origin: germline, somatic. Affected: yes. Observed: 3 variant alleles. Not counted in ClinVar's aggregate classification.

Literature cited by the submitters: PubMed 20104584 (cited by Labcorp Genetics (formerly Invitae), Labcorp); PubMed 24549055 (cited by 3 submitters); PubMed 32341426 (cited by Labcorp Genetics (formerly Invitae), Labcorp); PubMed 12014998 (cited by Ambry Genetics); PubMed 22144684 (cited by Ambry Genetics and Quest Diagnostics Nichols Institute San Juan Capistrano); PubMed 29446198 (cited by Ambry Genetics); PubMed 30430080 (cited by Ambry Genetics); PubMed 9799090 (cited by Ambry Genetics and Quest Diagnostics Nichols Institute San Juan Capistrano); PubMed 27656653 (cited by Quest Diagnostics Nichols Institute San Juan Capistrano); PubMed 23199084 (cited by Quest Diagnostics Nichols Institute San Juan Capistrano); Vega et al. Ann Hum Genet 2002 (cited by Breast Cancer Information Core (BIC) (BRCA1)).

NM_007294.4(BRCA1):c.3839_3843delinsAGGC (p.Ser1280_Gln1281delinsTer)

Genes: BRCA1 (BRCA1 DNA repair associated; minus strand), LOC126862571 (BRD4-independent group 4 enhancer GRCh37_chr17:41243136-41244335; plus strand). Cytogenetic location: 17q21.31.
Variant type: Indel.
Coding change: c.3839_3843delinsAGGC on transcript NM_007294.4 (MANE Select); coding-DNA positions 3839 to 3843, CTCAG replaced by AGGC.
Protein change: p.Ser1280_Gln1281delinsTer.
Molecular consequence: nonsense. On other transcripts: intron variant (135).
Genome position (GRCh38, 1-based): chr17:43,091,688-43,091,692, CTGAG replaced by GCCT on the plus strand (CTCAG replaced by AGGC on the coding strand, the reverse complement: BRCA1 is on the minus strand). VCF-style: chr17-43091688-CTGAG-GCCT. GRCh37 (hg19) VCF-style: chr17-41243705-CTGAG-GCCT.
Other names: 3958del5ins4; 3958delCTC/3963insCG-ter1280; c.647-660_647-656delinsAGGC (NM_001408458.1, NM_001408469.1, NM_001408453.1 and 11 more transcripts); c.284-660_284-656delinsAGGC (NM_001408512.1); c.407-660_407-656delinsAGGC (NM_001408510.1); c.644-660_644-656delinsAGGC (NM_001408470.1, NM_001408464.1, NM_001408468.1 and 3 more transcripts); c.785-660_785-656delinsAGGC (NM_001408397.1, NM_001408401.1, NM_001408396.1 and 13 more transcripts); c.665-660_665-656delinsAGGC (NM_001408436.1, NM_001408444.1, NM_001408438.1 and 12 more transcripts); and 43 more.
Identifiers: ClinVar variation 55021 (VCV000055021.17), dbSNP rs273900717, ClinGen allele CA002470.